The following is an entry in ClinVar:

NM_001378418.1(TCF20):c.4812T>G (p.Ile1604Met)

Gene: TCF20 (transcription factor 20; minus strand). Cytogenetic location: 22q13.2.
Variant type: single nucleotide variant.
Coding change: c.4812T>G on transcript NM_001378418.1 (MANE Select); coding-DNA position 4812, T replaced by G.
Protein change: p.Ile1604Met; replaces isoleucine 1604 with methionine.
Molecular consequence: missense variant.
Genome position (GRCh38, 1-based): chr22:42,210,494, A>C on the plus strand (T>G on the coding strand, the complement: TCF20 is on the minus strand). VCF-style: chr22-42210494-A-C. GRCh37 (hg19) VCF-style: chr22-42606500-A-C.
Other names: c.4812T>G, p.Ile1604Met (NM_005650.4, NM_181492.3); short protein forms I1604M.
Identifiers: ClinVar variation 3020797 (VCV003020797.3), dbSNP rs765630146, ClinGen allele CA10266576.
Genomic context (GRCh38, chr22:42,210,494, plus strand): 5'-AGTTTTATCCAGTGGCTGGGTGGCATATTTTAGTTTGATCTCAGGTTCTTGGGGTTCCAC[A>C]ATGGGAACTGCTTGTTTGGTTTTTCGCTTCCTCGGCTGGGCCCCAGGCTTCCTTCTCTCC-3'
Protein context (NP_001365347.1, residues 1594-1614): RKRKTKQAVP[Ile1604Met]VEPQEPEIKL

ClinVar aggregate classification (germline): Uncertain significance (1 of 4 stars; one submission).

Allele frequency attached by ClinVar (database versions not stated): ExAC 0.00001.
gnomAD v4.1: 5 of 1,614,176 alleles (0.00031%); highest among the groups gnomAD compares: Admixed American, 0.0083%; no homozygotes.

Submission:

Labcorp Genetics (formerly Invitae), Labcorp
Classification: Uncertain significance. Last evaluated: 2024-06-03. Review status: criteria provided, single submitter. Criteria: Invitae Variant Classification Sherloc (09022015). Collection method: clinical testing. Allele origin: germline.
Comment: This sequence change replaces isoleucine, which is neutral and non-polar, with methionine, which is neutral and non-polar, at codon 1604 of the TCF20 protein (p.Ile1604Met). This variant is present in population databases (rs765630146, gnomAD 0.01%). This variant has not been reported in the literature in individuals affected with TCF20-related conditions. An algorithm developed to predict the effect of missense changes on protein structure and function (PolyPhen-2) suggests that this variant is likely to be tolerated. In summary, the available evidence is currently insufficient to determine the role of this variant in disease. Therefore, it has been classified as a Variant of Uncertain Significance.